The following is an entry in ClinVar:

NM_002691.4(POLD1):c.145A>G (p.Arg49Gly)

Gene: POLD1 (DNA polymerase delta 1, catalytic subunit; plus strand). Cytogenetic location: 19q13.33.
Variant type: single nucleotide variant.
Coding change: c.145A>G on transcript NM_002691.4 (MANE Select); coding-DNA position 145, A replaced by G.
Protein change: p.Arg49Gly; replaces arginine 49 with glycine.
Molecular consequence: missense variant. On other transcripts: non-coding transcript variant (1).
Genome position (GRCh38, 1-based): chr19:50,398,996, A>G. VCF-style: chr19-50398996-A-G. GRCh37 (hg19) VCF-style: chr19-50902253-A-G.
Other names: c.145A>G, p.Arg49Gly (NM_001256849.1, NM_001308632.1); c.145A>G (NM_002691.2); short protein forms R49G.
Identifiers: ClinVar variation 860763 (VCV000860763.10), dbSNP rs1413839068, ClinGen allele CA406970242.

ClinVar aggregate classification (germline): Uncertain significance. Review status: criteria provided, multiple submitters, no conflicts (2 of 4 stars). 2 submissions from 2 submitters: Uncertain significance (2). Last evaluated 2025-07-16.

Conditions:
POLD1-related polyposis and colorectal cancer syndrome (CRCS10). Also called: Colorectal cancer 10; COLORECTAL CANCER, SUSCEPTIBILITY TO, ON CHROMOSOME 19q; Colorectal cancer, susceptibility to, 10. Identifiers: Orphanet 220460, MedGen C2675481, MONDO:0012953, OMIM 612591.
Hereditary cancer-predisposing syndrome. Also called: Tumor predisposition; Hereditary Cancer Syndrome; Hereditary neoplastic syndrome; Neoplastic Syndromes, Hereditary. Identifiers: Orphanet 140162, MedGen C0027672, MeSH D009386, MONDO:0015356.

Allele frequency attached by ClinVar (database versions not stated): gnomAD exomes below 0.00001.
gnomAD v4.1: 5 of 1,566,614 alleles (0.00032%); highest among the groups gnomAD compares: South Asian, 0.0059%; no homozygotes.

Submissions (2):

Labcorp Genetics (formerly Invitae), Labcorp
Classification: Uncertain significance for POLD1-related polyposis and colorectal cancer syndrome. Last evaluated: 2025-07-16. Review status: criteria provided, single submitter. Criteria: Invitae Variant Classification Sherloc (09022015). Collection method: clinical testing. Allele origin: germline.
Comment: This sequence change replaces arginine, which is basic and polar, with glycine, which is neutral and non-polar, at codon 49 of the POLD1 protein (p.Arg49Gly). The frequency data for this variant in the population databases is considered unreliable, as metrics indicate poor data quality at this position in the gnomAD database. This variant has not been reported in the literature in individuals affected with POLD1-related conditions. ClinVar contains an entry for this variant (Variation ID: 860763). An algorithm developed to predict the effect of missense changes on protein structure and function (PolyPhen-2) suggests that this variant is likely to be tolerated. In summary, the available evidence is currently insufficient to determine the role of this variant in disease. Therefore, it has been classified as a Variant of Uncertain Significance.

Ambry Genetics
Classification: Uncertain significance for Hereditary cancer-predisposing syndrome. Last evaluated: 2024-08-17. Review status: criteria provided, single submitter. Criteria: Ambry Variant Classification Scheme 2023. Collection method: clinical testing. Allele origin: germline.
Comment: The p.R49G variant (also known as c.145A>G), located in coding exon 1 of the POLD1 gene, results from an A to G substitution at nucleotide position 145. The arginine at codon 49 is replaced by glycine, an amino acid with dissimilar properties. This amino acid position is conserved. In addition, this alteration is predicted to be tolerated by in silico analysis. Based on the available evidence, the clinical significance of this variant remains unclear.